The following is an entry in ClinVar:

ClinVar aggregate classification (germline): Uncertain significance (1 of 4 stars; one submission).

Submission:

Labcorp Genetics (formerly Invitae), Labcorp
Classification: Uncertain significance. Last evaluated: 2025-03-17. Review status: criteria provided, single submitter. Criteria: Invitae Variant Classification Sherloc (09022015). Collection method: clinical testing. Allele origin: germline.
Comment: This sequence change replaces leucine, which is neutral and non-polar, with valine, which is neutral and non-polar, at codon 389 of the P3H2 protein (p.Leu389Val). This variant is not present in population databases (gnomAD no frequency). This variant has not been reported in the literature in individuals affected with P3H2-related conditions. ClinVar contains an entry for this variant (Variation ID: 1352170). Invitae Evidence Modeling of protein sequence and biophysical properties (such as structural, functional, and spatial information, amino acid conservation, physicochemical variation, residue mobility, and thermodynamic stability) indicates that this missense variant is expected to disrupt P3H2 protein function with a positive predictive value of 80%. In summary, the available evidence is currently insufficient to determine the role of this variant in disease. Therefore, it has been classified as a Variant of Uncertain Significance.

NM_018192.4(P3H2):c.1165C>G (p.Leu389Val)

Gene: P3H2 (prolyl 3-hydroxylase 2; minus strand). Cytogenetic location: 3q28.
Variant type: single nucleotide variant.
Coding change: c.1165C>G on transcript NM_018192.4 (MANE Select); coding-DNA position 1165, C replaced by G.
Protein change: p.Leu389Val; replaces leucine 389 with valine.
Molecular consequence: missense variant.
Genome position (GRCh38, 1-based): chr3:189,986,811, G>C on the plus strand (C>G on the coding strand, the complement: P3H2 is on the minus strand). VCF-style: chr3-189986811-G-C. GRCh37 (hg19) VCF-style: chr3-189704600-G-C.
Other names: c.622C>G, p.Leu208Val (NM_001134418.2); short protein forms L208V, L389V.
Identifiers: ClinVar variation 1352170 (VCV001352170.6), dbSNP rs2108918470, ClinGen allele CA355757089.